The following is an entry in ClinVar:

ClinVar aggregate classification (germline): Conflicting classifications of pathogenicity. Review status: criteria provided, conflicting classifications (1 of 4 stars). 2 submissions from 2 submitters: Uncertain significance (1); Benign (1). Last evaluated 2026-01-07.

Conditions:
FG syndrome (FGS). Identifiers: MedGen C0220769, MONDO:0002010.
Familial thoracic aortic aneurysm and aortic dissection (TAAD). Also called: Thoracic aortic aneurysms and dissections. Identifiers: Orphanet 91387, MedGen C4707243, MONDO:0019625.

Allele frequency attached by ClinVar (database versions not stated): gnomAD 0.00001; ExAC 0.00002; gnomAD exomes 0.00002 and 0.00003; TOPMed 0.00002.
gnomAD v4.1: 31 of 1,208,652 alleles (0.0026%); highest among the groups gnomAD compares: Non-Finnish European, 0.0031%; no homozygotes.

Submissions (2):

Labcorp Genetics (formerly Invitae), Labcorp
Classification: Benign for FG syndrome. Last evaluated: 2026-01-07. Review status: criteria provided, single submitter. Criteria: Invitae Variant Classification Sherloc (09022015). Collection method: clinical testing. Allele origin: germline.

Ambry Genetics
Classification: Uncertain significance for Familial thoracic aortic aneurysm and aortic dissection. Last evaluated: 2024-04-21. Review status: criteria provided, single submitter. Criteria: Ambry Variant Classification Scheme 2023. Collection method: clinical testing. Allele origin: germline.
Comment: The p.A735T variant (also known as c.2203G>A), located in coding exon 15 of the MED12 gene, results from a G to A substitution at nucleotide position 2203. The alanine at codon 735 is replaced by threonine, an amino acid with similar properties. Based on data from gnomAD, the A allele has an overall frequency of 0.0017% (3/181112) total alleles studied, with 0 hemizygote(s) observed. The highest observed frequency was 0.0081% (1/12392) of African alleles. This amino acid position is conserved. In addition, this alteration is predicted to be tolerated by in silico analysis. Based on the available evidence, the clinical significance of this variant remains unclear.

NM_005120.3(MED12):c.2203G>A (p.Ala735Thr)

Gene: MED12 (mediator complex subunit 12; plus strand). Cytogenetic location: Xq13.1.
Variant type: single nucleotide variant.
Coding change: c.2203G>A on transcript NM_005120.3 (MANE Select); coding-DNA position 2203, G replaced by A.
Protein change: p.Ala735Thr; replaces alanine 735 with threonine.
Molecular consequence: missense variant.
Genome position (GRCh38, 1-based): chrX:71,125,123, G>A. VCF-style: chrX-71125123-G-A. GRCh37 (hg19) VCF-style: chrX-70344973-G-A.
Other names: short protein forms A735T.
Identifiers: ClinVar variation 844801 (VCV000844801.8), dbSNP rs756039521, ClinGen allele CA10444308.